The following is an entry in ClinVar:

ClinVar aggregate classification (germline): Benign. Review status: criteria provided, multiple submitters, no conflicts (2 of 4 stars). 3 submissions from 3 submitters: Benign (3). Last evaluated 2018-10-16.

Conditions:
Parietal foramina 2 (PFM2). Identifiers: Orphanet 60015, MedGen C1865044, MONDO:0012309, OMIM 609597.

Allele frequency attached by ClinVar (database versions not stated): 1000 Genomes Project 30x 0.19582; 1000 Genomes Project 0.19908; TOPMed 0.23303; gnomAD 0.23425 and 0.23484; gnomAD exomes 0.25188.
gnomAD v4.1: 145,898 of 589,360 alleles (25%); highest among the groups gnomAD compares: Middle Eastern, 29%; 19,205 homozygotes.

Submissions (3):

GeneDx
Classification: Benign. Last evaluated: 2018-10-16. Review status: criteria provided, single submitter. Criteria: GeneDx Variant Classification Process June 2021. Collection method: clinical testing. Allele origin: germline. Affected: yes.

Illumina Laboratory Services, Illumina
Classification: Benign for Parietal foramina 2. Last evaluated: 2018-01-13. Review status: criteria provided, single submitter. Criteria: ICSL Variant Classification Criteria 13 December 2019. Collection method: clinical testing. Allele origin: germline.
Comment: This variant was observed in the ICSL laboratory as part of a predisposition screen in an ostensibly healthy population. It had not been previously curated by ICSL or reported in the Human Gene Mutation Database (HGMD: prior to June 1st, 2018), and was therefore a candidate for classification through an automated scoring system. Utilizing variant allele frequency, disease prevalence and penetrance estimates, and inheritance mode, an automated score was calculated to assess if this variant is too frequent to cause the disease. Based on the score and internal cut-off values, a variant classified as benign is not then subjected to further curation. The score for this variant resulted in a classification of benign for this disease.

Breakthrough Genomics
Classification: Benign. Review status: criteria provided, single submitter. Criteria: ACMG Guidelines, 2015. Collection method: not provided. Allele origin: germline. Inheritance: Autosomal recessive inheritance. Affected: yes.

NM_021926.4(ALX4):c.*228C>T

Gene: ALX4 (ALX homeobox 4; minus strand). Cytogenetic location: 11p11.2.
Variant type: single nucleotide variant.
Coding change: c.*228C>T on transcript NM_021926.4 (MANE Select); 228 bases downstream of the stop codon, C replaced by T.
Molecular consequence: 3 prime UTR variant.
Genome position (GRCh38, 1-based): chr11:44,264,626, G>A on the plus strand (C>T on the coding strand, the complement: ALX4 is on the minus strand). VCF-style: chr11-44264626-G-A. GRCh37 (hg19) VCF-style: chr11-44286176-G-A.
Other names: c.*228C>T (LRG_1256t1).
Identifiers: ClinVar variation 304694 (VCV000304694.7), dbSNP rs4755798, ClinGen allele CA10638579.